The following is an entry in ClinVar:

ClinVar aggregate classification (germline): Uncertain significance (1 of 4 stars; one submission).

Submission:

Labcorp Genetics (formerly Invitae), Labcorp
Classification: Uncertain significance. Last evaluated: 2024-10-24. Review status: criteria provided, single submitter. Criteria: Invitae Variant Classification Sherloc (09022015). Collection method: clinical testing. Allele origin: germline.
Comment: This sequence change replaces threonine, which is neutral and polar, with serine, which is neutral and polar, at codon 897 of the SETD5 protein (p.Thr897Ser). This variant is not present in population databases (gnomAD no frequency). This variant has not been reported in the literature in individuals affected with SETD5-related conditions. Invitae Evidence Modeling of protein sequence and biophysical properties (such as structural, functional, and spatial information, amino acid conservation, physicochemical variation, residue mobility, and thermodynamic stability) indicates that this missense variant is not expected to disrupt SETD5 protein function with a negative predictive value of 80%. In summary, the available evidence is currently insufficient to determine the role of this variant in disease. Therefore, it has been classified as a Variant of Uncertain Significance.

NM_001080517.3(SETD5):c.2689A>T (p.Thr897Ser)

Gene: SETD5 (SET domain containing 5; plus strand). Cytogenetic location: 3p25.3.
Variant type: single nucleotide variant.
Coding change: c.2689A>T on transcript NM_001080517.3 (MANE Select); coding-DNA position 2689, A replaced by T.
Protein change: p.Thr897Ser; replaces threonine 897 with serine.
Molecular consequence: missense variant.
Genome position (GRCh38, 1-based): chr3:9,464,637, A>T. VCF-style: chr3-9464637-A-T. GRCh37 (hg19) VCF-style: chr3-9506321-A-T.
Other names: c.2395A>T, p.Thr799Ser (NM_001292043.2, NM_001349451.2); short protein forms T897S, T799S.
Identifiers: ClinVar variation 3665634 (VCV003665634.2).
Genomic context (GRCh38, chr3:9,464,637, plus strand): 5'-GGAGAAGAGGAGTGTCGAAATGGATACAGCCTCATGTTTTCACCAGTCACATCTCTTACT[A>T]CTGCTAGTCGCTGCAACACTCCTCTACAGTTTGAGGTGATTTGGGTTTGGTTGCTGGGAG-3'
Protein context (NP_001073986.1, residues 887-907): LMFSPVTSLT[Thr897Ser]ASRCNTPLQF